The following is an entry in ClinVar:

NM_000116.5(TAFAZZIN):c.145del (p.Val49fs)

Gene: TAFAZZIN (tafazzin, phospholipid-lysophospholipid transacylase; plus strand). Cytogenetic location: Xq28.
Variant type: Deletion.
Coding change: c.145del on transcript NM_000116.5 (MANE Select); coding-DNA position 145, one base deleted (G; older notation c.145delG).
Protein change: p.Val49fs; shifts the reading frame from valine 49.
Molecular consequence: frameshift variant. On other transcripts: non-coding transcript variant (1).
Genome position (GRCh38, 1-based): chrX:154,412,121, G deleted; the last of 2 consecutive G bases (chrX:154,412,120-154,412,121); deleting either gives the same sequence. VCF-style (leftmost placement, unchanged base first): chrX-154412119-AG-A. GRCh37 (hg19) VCF-style: chrX-153640456-AG-A.
Other names: c.199del, p.Val67fs (NM_001303465.2); c.145del, p.Val49fs (NM_181311.4, NM_181312.4, NM_181313.4); short protein forms V67fs, V49fs.
Identifiers: ClinVar variation 518893 (VCV000518893.7), dbSNP rs1557191074, ClinGen allele CA658799905.

ClinVar aggregate classification (germline): Pathogenic. Review status: criteria provided, multiple submitters, no conflicts (2 of 4 stars). 2 submissions from 2 submitters: Pathogenic (2). Last evaluated 2024-02-20.

Conditions:
Cardiovascular phenotype. Identifiers: MedGen CN230736.
3-Methylglutaconic aciduria type 2 (BTHS). Also called: CARDIOSKELETAL MYOPATHY WITH NEUTROPENIA AND ABNORMAL MITOCHONDRIA; Barth syndrome. Identifiers: Orphanet 111, MedGen C0574083, MONDO:0010543, OMIM 302060.

Submissions (2):

Labcorp Genetics (formerly Invitae), Labcorp
Classification: Pathogenic for 3-Methylglutaconic aciduria type 2. Last evaluated: 2024-02-20. Review status: criteria provided, single submitter. Criteria: Invitae Variant Classification Sherloc (09022015). Collection method: clinical testing. Allele origin: germline.
Comment: This sequence change creates a premature translational stop signal (p.Val49Cysfs*34) in the TAZ gene. It is expected to result in an absent or disrupted protein product. Loss-of-function variants in TAZ are known to be pathogenic (PMID: 16427346, 22382802, 23409742). This variant is not present in population databases (gnomAD no frequency). This variant has not been reported in the literature in individuals affected with TAZ-related conditions. ClinVar contains an entry for this variant (Variation ID: 518893). For these reasons, this variant has been classified as Pathogenic.

Ambry Genetics
Classification: Pathogenic for Cardiovascular phenotype. Last evaluated: 2019-10-10. Review status: criteria provided, single submitter. Criteria: Ambry Variant Classification Scheme 2023. Collection method: clinical testing. Allele origin: germline.
Comment: The c.145delG pathogenic mutation, located in coding exon 2 of the TAZ gene, results from a deletion of one nucleotide at nucleotide position 145, causing a translational frameshift with a predicted alternate stop codon (p.V49Cfs*34). This alteration is expected to result in loss of function by premature protein truncation or nonsense-mediated mRNA decay. As such, this alteration is interpreted as a disease-causing mutation.

Literature cited by the submitters: PubMed 16427346 (cited by Labcorp Genetics (formerly Invitae), Labcorp); PubMed 22382802 (cited by Labcorp Genetics (formerly Invitae), Labcorp); PubMed 23409742 (cited by Labcorp Genetics (formerly Invitae), Labcorp).